The following is an entry in ClinVar:

NM_001365276.2(TNXB):c.4675G>A (p.Val1559Met)

Gene: TNXB (tenascin XB; minus strand). Cytogenetic location: 6p21.33.
Variant type: single nucleotide variant.
Coding change: c.4675G>A on transcript NM_001365276.2 (MANE Select); coding-DNA position 4675, G replaced by A.
Protein change: p.Val1559Met; replaces valine 1559 with methionine.
Molecular consequence: missense variant.
Genome position (GRCh38, 1-based): chr6:32,073,653, C>T on the plus strand (G>A on the coding strand, the complement: TNXB is on the minus strand). VCF-style: chr6-32073653-C-T. GRCh37 (hg19) VCF-style: chr6-32041430-C-T.
Other names: p.Val1559Met; c.4675G>A, p.Val1559Met (NM_019105.8); short protein forms V1559M.
Identifiers: ClinVar variation 3327846 (VCV003327846.2).
Genomic context (GRCh38, chr6:32,073,653, plus strand): 5'-GGTGGGGGAGCTCTGGGTAACCAGAGATGAGGACTGAGTCCCCCCATTACTCACCCGTCA[C>T]GATGACCACAGACAGGGGGCCCATGCGTTGCCCATCATGTAGTCCATACATGTTCATCTT-3'
Protein context (NP_001352205.1, residues 1549-1569): QRMGPLSVVI[Val1559Met]TAPLPPAPAT

ClinVar aggregate classification (germline): Conflicting classifications of pathogenicity. Review status: criteria provided, conflicting classifications (1 of 4 stars). 2 submissions from 2 submitters: Uncertain significance (1); Likely benign (1). Last evaluated 2025-10-09.

Conditions:
Cardiovascular phenotype. Identifiers: MedGen CN230736.

Submissions (2):

Mayo Clinic Laboratories, Mayo Clinic
Classification: Uncertain significance. Last evaluated: 2025-10-09. Review status: criteria provided, single submitter. Criteria: ACMG Guidelines, 2015. Collection method: clinical testing. Allele origin: germline. Observed: 1 variant allele.
Comment: BP4_moderate

Ambry Genetics
Classification: Likely benign for Cardiovascular phenotype. Last evaluated: 2024-04-27. Review status: criteria provided, single submitter. Criteria: Ambry Variant Classification Scheme 2023. Collection method: clinical testing. Allele origin: germline.